The following is an entry in ClinVar:

ClinVar aggregate classification (germline): Uncertain significance. Review status: criteria provided, multiple submitters, no conflicts (2 of 4 stars). 3 submissions from 3 submitters: Uncertain significance (3). Last evaluated 2025-07-08.

Conditions:
Hereditary cancer-predisposing syndrome. Also called: Hereditary Cancer Syndrome; Hereditary neoplastic syndrome; Neoplastic Syndromes, Hereditary; Tumor predisposition. Identifiers: Orphanet 140162, MedGen C0027672, MeSH D009386, MONDO:0015356.
Retinoblastoma (RB1). Also called: RETINOBLASTOMA, SOMATIC. Identifiers: Orphanet 790, MedGen C0035335, MeSH D012175, MONDO:0008380, OMIM 180200, HP:0009919. Disease mechanism: loss of function. Inheritance: Both sporadic and heritable forms are tested..

Allele frequency attached by ClinVar (database versions not stated): gnomAD exomes below 0.00001.
gnomAD v4.1: 1 of 1,604,076 alleles (0.000062%); highest among the groups gnomAD compares: Non-Finnish European, 0.000085%; no homozygotes.

Submissions (3):

Color Diagnostics, LLC DBA Color Health
Classification: Uncertain significance for Retinoblastoma. Last evaluated: 2025-07-08. Review status: criteria provided, single submitter. Criteria: ACMG Guidelines, 2015. Collection method: clinical testing. Allele origin: germline.
Comment: This missense variant replaces leucine with proline at codon 47 of the RB1 protein. Computational prediction suggests that this variant may not impact protein structure and function. To our knowledge, functional studies have not been reported for this variant. This variant has not been reported in individuals affected with RB1-related disorders in the literature. This variant has not been identified in the general population by the Genome Aggregation Database (gnomAD). The available evidence is insufficient to determine the role of this variant in disease conclusively. Therefore, this variant is classified as a Variant of Uncertain Significance.

Labcorp Genetics (formerly Invitae), Labcorp
Classification: Uncertain significance for Retinoblastoma. Last evaluated: 2025-07-02. Review status: criteria provided, single submitter. Criteria: Invitae Variant Classification Sherloc (09022015). Collection method: clinical testing. Allele origin: germline.
Comment: This sequence change replaces leucine, which is neutral and non-polar, with proline, which is neutral and non-polar, at codon 47 of the RB1 protein (p.Leu47Pro). This variant is not present in population databases (gnomAD no frequency). This variant has not been reported in the literature in individuals affected with RB1-related conditions. ClinVar contains an entry for this variant (Variation ID: 1772001). An algorithm developed to predict the effect of missense changes on protein structure and function (PolyPhen-2) suggests that this variant is likely to be disruptive. In summary, the available evidence is currently insufficient to determine the role of this variant in disease. Therefore, it has been classified as a Variant of Uncertain Significance.

Ambry Genetics
Classification: Uncertain significance for Hereditary cancer-predisposing syndrome. Last evaluated: 2022-10-20. Review status: criteria provided, single submitter. Criteria: Ambry Variant Classification Scheme 2023. Collection method: clinical testing. Allele origin: germline.
Comment: The p.L47P variant (also known as c.140T>C), located in coding exon 2 of the RB1 gene, results from a T to C substitution at nucleotide position 140. The leucine at codon 47 is replaced by proline, an amino acid with similar properties. This amino acid position is conserved. In addition, the in silico prediction for this alteration is inconclusive. Since supporting evidence is limited at this time, the clinical significance of this alteration remains unclear.

NM_000321.3(RB1):c.140T>C (p.Leu47Pro)

Gene: RB1 (RB transcriptional corepressor 1; plus strand). Cytogenetic location: 13q14.2.
Variant type: single nucleotide variant.
Coding change: c.140T>C on transcript NM_000321.3 (MANE Select); coding-DNA position 140, T replaced by C.
Protein change: p.Leu47Pro; replaces leucine 47 with proline.
Molecular consequence: missense variant.
Genome position (GRCh38, 1-based): chr13:48,307,282, T>C. VCF-style: chr13-48307282-T-C. GRCh37 (hg19) VCF-style: chr13-48881418-T-C.
Other names: c.140T>C, p.Leu47Pro (NM_001407165.1, NM_001407166.1, NM_001407167.1); short protein forms L47P.
Identifiers: ClinVar variation 1772001 (VCV001772001.3), dbSNP rs2138033812, ClinGen allele CA388250425.
Genomic context (GRCh38, chr13:48,307,282, plus strand): 5'-ACTGAATCAATTTGATTTATAAGTATATGCCAATTATATGATTATTTTCATTTGGTAGGC[T>C]TGAGTTTGAAGAAACAGAAGAACCTGATTTTACTGCATTATGTCAGAAATTAAAGATACC-3'
Protein context (NP_000312.2, residues 37-57): SGPEDLPLVR[Leu47Pro]EFEETEEPDF